The following is an entry in ClinVar:

NM_006886.4(ATP5F1E):c.28C>T (p.Leu10Phe)

Genes: ATP5F1E (ATP synthase F1 subunit epsilon; minus strand), SLMO2-ATP5E (SLMO2-ATP5E readthrough; minus strand), LOC130066277 (ATAC-STARR-seq lymphoblastoid active region 18187; plus strand). Cytogenetic location: 20q13.32.
Variant type: single nucleotide variant.
Coding change: c.28C>T on transcript NM_006886.4 (MANE Select); coding-DNA position 28, C replaced by T.
Protein change: p.Leu10Phe; replaces leucine 10 with phenylalanine.
Molecular consequence: missense variant.
Genome position (GRCh38, 1-based): chr20:59,032,224, G>A on the plus strand (C>T on the coding strand, the complement: ATP5F1E is on the minus strand). VCF-style: chr20-59032224-G-A. GRCh37 (hg19) VCF-style: chr20-57607279-G-A.
Other names: c.28C>T, p.Leu10Phe (NM_001001977.1); short protein forms L10F.
Identifiers: ClinVar variation 1915545 (VCV001915545.5), dbSNP rs770225638, ClinGen allele CA9928773.

ClinVar aggregate classification (germline): Uncertain significance (1 of 4 stars; one submission).

Allele frequency attached by ClinVar (database versions not stated): gnomAD 0.00001; TOPMed 0.00003.

Submission:

Labcorp Genetics (formerly Invitae), Labcorp
Classification: Uncertain significance. Last evaluated: 2025-07-29. Review status: criteria provided, single submitter. Criteria: Invitae Variant Classification Sherloc (09022015). Collection method: clinical testing. Allele origin: germline.
Comment: This sequence change replaces leucine, which is neutral and non-polar, with phenylalanine, which is neutral and non-polar, at codon 10 of the ATP5E protein (p.Leu10Phe). This variant is present in population databases (rs770225638, gnomAD 0.02%). This variant has not been reported in the literature in individuals affected with ATP5E-related conditions. ClinVar contains an entry for this variant (Variation ID: 1915545). An algorithm developed to predict the effect of missense changes on protein structure and function (PolyPhen-2) suggests that this variant is likely to be tolerated. In summary, the available evidence is currently insufficient to determine the role of this variant in disease. Therefore, it has been classified as a Variant of Uncertain Significance.